The following is an entry in ClinVar:

NM_014003.4(DHX38):c.3556C>T (p.Arg1186Trp)

Gene: DHX38 (DEAH-box helicase 38; plus strand). Cytogenetic location: 16q22.2.
Variant type: single nucleotide variant.
Coding change: c.3556C>T on transcript NM_014003.4 (MANE Select); coding-DNA position 3556, C replaced by T.
Protein change: p.Arg1186Trp; replaces arginine 1186 with tryptophan.
Molecular consequence: missense variant.
Genome position (GRCh38, 1-based): chr16:72,111,034, C>T. VCF-style: chr16-72111034-C-T. GRCh37 (hg19) VCF-style: chr16-72144933-C-T.
Other names: c.3556C>T (NM_014003.3); short protein forms R1186W.
Identifiers: ClinVar variation 2184769 (VCV002184769.2), dbSNP rs1021379081, ClinGen allele CA283693966.
Genomic context (GRCh38, chr16:72,111,034, plus strand): 5'-AAAGAGGAAGCCTCTGCCATGGAGGAGGAGATGGCGCTGGCCGAGGAGCAGCTGCGAGCC[C>T]GGCGGCAGGAGCAGGAGAAGCGCAGCCCCCTGGGCAGTGTCAGGTGAGCTCCGGCCTTCG-3'
Protein context (NP_054722.2, residues 1176-1196): MALAEEQLRA[Arg1186Trp]RQEQEKRSPL

ClinVar aggregate classification (germline): Uncertain significance. Review status: criteria provided, multiple submitters, no conflicts (2 of 4 stars). 2 submissions from 2 submitters: Uncertain significance (2). Last evaluated 2025-03-22.

Allele frequency attached by ClinVar (database versions not stated): gnomAD 0.00001; TOPMed 0.00003; gnomAD exomes 0.00002.

Submissions (2):

Ambry Genetics
Classification: Uncertain significance. Last evaluated: 2025-03-22. Review status: criteria provided, single submitter. Criteria: Ambry Variant Classification Scheme 2023. Collection method: clinical testing. Allele origin: germline.

Labcorp Genetics (formerly Invitae), Labcorp
Classification: Uncertain significance. Last evaluated: 2021-12-27. Review status: criteria provided, single submitter. Criteria: Invitae Variant Classification Sherloc (09022015). Collection method: clinical testing. Allele origin: germline.
Comment: This sequence change replaces arginine, which is basic and polar, with tryptophan, which is neutral and slightly polar, at codon 1186 of the DHX38 protein (p.Arg1186Trp). The frequency data for this variant in the population databases is considered unreliable, as metrics indicate poor data quality at this position in the gnomAD database. This variant has not been reported in the literature in individuals affected with DHX38-related conditions. Algorithms developed to predict the effect of missense changes on protein structure and function (SIFT, PolyPhen-2, Align-GVGD) all suggest that this variant is likely to be disruptive. In summary, the available evidence is currently insufficient to determine the role of this variant in disease. Therefore, it has been classified as a Variant of Uncertain Significance.